The following is an entry in ClinVar:

ClinVar aggregate classification (germline): Uncertain significance (1 of 4 stars; one submission).

Submission:

Labcorp Genetics (formerly Invitae), Labcorp
Classification: Uncertain significance. Last evaluated: 2024-10-18. Review status: criteria provided, single submitter. Criteria: Invitae Variant Classification Sherloc (09022015). Collection method: clinical testing. Allele origin: germline.
Comment: This sequence change creates a premature translational stop signal (p.Ser85Phefs*3) in the GRIA3 gene. It is expected to result in an absent or disrupted protein product. However, the current clinical and genetic evidence is not sufficient to establish whether loss-of-function variants in GRIA3 cause disease. This variant is not present in population databases (gnomAD no frequency). This variant has not been reported in the literature in individuals affected with GRIA3-related conditions. In summary, the available evidence is currently insufficient to determine the role of this variant in disease. Therefore, it has been classified as a Variant of Uncertain Significance.

NM_007325.5(GRIA3):c.252_253dup (p.Ser85fs)

Gene: GRIA3 (glutamate ionotropic receptor AMPA type subunit 3; plus strand). Cytogenetic location: Xq25.
Variant type: Duplication.
Coding change: c.252_253dup on transcript NM_007325.5 (MANE Select); coding-DNA positions 252 to 253, 2 bases duplicated (TT; older notation c.252_253dupTT).
Protein change: p.Ser85fs; shifts the reading frame from serine 85.
Molecular consequence: frameshift variant.
Genome position (GRCh38, 1-based): chrX:123,185,974-123,185,975, TT duplicated; duplicating any 2 consecutive bases within chrX:123,185,971-123,185,975 gives the same sequence; the c. name uses the placement nearest the transcript's 3' end. VCF-style (leftmost placement, unchanged base first): chrX-123185970-G-GTT. GRCh37 (hg19) VCF-style: chrX-122319822-G-GTT.
Other names: c.252_253dup, p.Ser85fs (NM_000828.5, NM_001256743.2); short protein forms S85fs.
Identifiers: ClinVar variation 3722078 (VCV003722078.2).